The following is an entry in ClinVar:

ClinVar aggregate classification (germline): Uncertain significance. Review status: criteria provided, multiple submitters, no conflicts (2 of 4 stars). 2 submissions from 2 submitters: Uncertain significance (2). Last evaluated 2024-12-02.

Allele frequency attached by ClinVar (database versions not stated): ExAC 0.00002; gnomAD 0.00007; ESP Exome Variant Server 0.00008; 1000 Genomes Project 0.00020; 1000 Genomes Project 30x 0.00031.
gnomAD v4.1: 23 of 1,609,272 alleles (0.0014%); highest among the groups gnomAD compares: African/African-American, 0.031%; no homozygotes.

Submissions (2):

Ambry Genetics
Classification: Uncertain significance. Last evaluated: 2024-12-02. Review status: criteria provided, single submitter. Criteria: Ambry Variant Classification Scheme 2023. Collection method: clinical testing. Allele origin: germline.

Labcorp Genetics (formerly Invitae), Labcorp
Classification: Uncertain significance. Last evaluated: 2024-05-09. Review status: criteria provided, single submitter. Criteria: Invitae Variant Classification Sherloc (09022015). Collection method: clinical testing. Allele origin: germline.
Comment: This sequence change replaces lysine, which is basic and polar, with methionine, which is neutral and non-polar, at codon 149 of the PALM protein (p.Lys149Met). This variant is present in population databases (rs141526024, gnomAD 0.03%). This variant has not been reported in the literature in individuals affected with PALM-related conditions. ClinVar contains an entry for this variant (Variation ID: 2208844). An algorithm developed to predict the effect of missense changes on protein structure and function (PolyPhen-2) suggests that this variant is likely to be disruptive. In summary, the available evidence is currently insufficient to determine the role of this variant in disease. Therefore, it has been classified as a Variant of Uncertain Significance.

NM_002579.3(PALM):c.446A>T (p.Lys149Met)

Gene: PALM (paralemmin; plus strand). Cytogenetic location: 19p13.3.
Variant type: single nucleotide variant.
Coding change: c.446A>T on transcript NM_002579.3 (MANE Select); coding-DNA position 446, A replaced by T.
Protein change: p.Lys149Met; replaces lysine 149 with methionine.
Molecular consequence: missense variant.
Genome position (GRCh38, 1-based): chr19:736,022, A>T. VCF-style: chr19-736022-A-T. GRCh37 (hg19) VCF-style: chr19-736022-A-T.
Other names: c.446A>T (NM_002579.2); c.446A>T, p.Lys149Met (NM_001040134.2); short protein forms K149M.
Identifiers: ClinVar variation 2208844 (VCV002208844.9), dbSNP rs141526024, ClinGen allele CA9022638.
Genomic context (GRCh38, chr19:736,022, plus strand): 5'-TCCATGTGACCTCTCCTCTGACCCTCATCTCTCTCTCCGCTTCCACCTCCCGTGCAGACA[A>T]GCGAGTCTCCAACACGCCCCTGAGGACGGTTGACGGCTCCCCCATGATGAAGGCAGGTGG-3'
Protein context (NP_002570.2, residues 139-159): QQTPVGTPKD[Lys149Met]RVSNTPLRTV